The following is an entry in ClinVar:

NM_014679.5(CEP57):c.685G>C (p.Ala229Pro)

Gene: CEP57 (centrosomal protein 57; plus strand). Cytogenetic location: 11q21.
Variant type: single nucleotide variant.
Coding change: c.685G>C on transcript NM_014679.5 (MANE Select); coding-DNA position 685, G replaced by C.
Protein change: p.Ala229Pro; replaces alanine 229 with proline.
Molecular consequence: missense variant.
Genome position (GRCh38, 1-based): chr11:95,818,890, G>C. VCF-style: chr11-95818890-G-C. GRCh37 (hg19) VCF-style: chr11-95552054-G-C.
Other names: c.568G>C, p.Ala190Pro (NM_001440872.1, NM_001440876.1, NM_001440879.1 and 1 more transcripts); c.505G>C, p.Ala169Pro (NM_001440873.1); c.685G>C, p.Ala229Pro (NM_001440874.1, NM_001243777.2, NM_001440871.1); c.604G>C, p.Ala202Pro (NM_001440875.1, NM_001363604.2, NM_001440869.1 and 1 more transcripts); c.487G>C, p.Ala163Pro (NM_001440877.1, NM_001440878.1); c.424G>C, p.Ala142Pro (NM_001440880.1); c.658G>C, p.Ala220Pro (NM_001243776.2); c.388G>C, p.Ala130Pro (NM_001440881.1); short protein forms A130P, A142P, A163P, A169P, A190P, A202P, A220P, A229P.
Identifiers: ClinVar variation 4868748 (VCV004868748.1).
Genomic context (GRCh38, chr11:95,818,890, plus strand): 5'-AAAATGCAAGAGTTGGAAGCAAAACTCCATGAAGAAGAACAGGAAAGGAAACGCATGCAA[G>C]CTAAGGCAGCTGAGGTAAGTTAAAATGTGAGAAAGTGGGCTCTTCATATTTCTTACCGCT-3'
Protein context (NP_055494.2, residues 219-239): EEEQERKRMQ[Ala229Pro]KAAELQTGLE

ClinVar aggregate classification (germline): Uncertain significance (1 of 4 stars; one submission).

Conditions:
Inborn genetic diseases. Identifiers: MedGen C0950123, MeSH D030342.

Submission:

Ambry Genetics
Classification: Uncertain significance for Inborn genetic diseases. Last evaluated: 2026-04-04. Review status: criteria provided, single submitter. Criteria: Ambry Variant Classification Scheme 2023. Collection method: clinical testing. Allele origin: germline.
Comment: The p.A229P variant (also known as c.685G>C), located in coding exon 6 of the CEP57 gene, results from a G to C substitution at nucleotide position 685. The alanine at codon 229 is replaced by proline, an amino acid with highly similar properties. This amino acid position is conserved. In addition, this alteration is predicted to be tolerated by in silico analysis. Based on the available evidence, the clinical significance of this variant remains unclear.